The following is an entry in ClinVar:

NM_001278116.2(L1CAM):c.3525G>A (p.Glu1175=)

Gene: L1CAM (L1 cell adhesion molecule; minus strand). Cytogenetic location: Xq28.
Variant type: single nucleotide variant.
Coding change: c.3525G>A on transcript NM_001278116.2 (MANE Select); coding-DNA position 3525, G replaced by A.
Protein change: p.Glu1175=; no amino-acid change (glutamic acid 1175 retained).
Molecular consequence: synonymous variant.
Genome position (GRCh38, 1-based): chrX:153,863,482, C>T on the plus strand (G>A on the coding strand, the complement: L1CAM is on the minus strand). VCF-style: chrX-153863482-C-T. GRCh37 (hg19) VCF-style: chrX-153128937-C-T.
Other names: c.3525G>A, p.Glu1175= (NM_000425.5, NM_024003.3); c.3510G>A, p.Glu1170= (NM_001143963.2).
Identifiers: ClinVar variation 5002549 (VCV005002549.1).

ClinVar aggregate classification (germline): Likely benign (1 of 4 stars; one submission).

Conditions:
L1CAM-related disorder. Also called: L1CAM-related condition.

Submission:

PreventionGenetics, part of Exact Sciences
Classification: Likely benign for L1CAM-related condition. Last evaluated: 2025-05-23. Review status: criteria provided, single submitter. Criteria: ACMG Guidelines, 2015. Collection method: clinical testing. Allele origin: germline.
Comment: This variant is classified as likely benign based on ACMG/AMP sequence variant interpretation guidelines (Richards et al. 2015 PMID: 25741868, with internal and published modifications).